The following is an entry in ClinVar:

NM_001768.7(CD8A):c.644G>A (p.Cys215Tyr)

Genes: CD8A (CD8 subunit alpha; minus strand), LOC106699567 (CD8A intronic regulatory region; plus strand). Cytogenetic location: 2p11.2.
Variant type: single nucleotide variant.
Coding change: c.644G>A on transcript NM_001768.7 (MANE Select); coding-DNA position 644, G replaced by A.
Protein change: p.Cys215Tyr; replaces cysteine 215 with tyrosine.
Molecular consequence: missense variant. On other transcripts: non-coding transcript variant (4).
Genome position (GRCh38, 1-based): chr2:86,788,542, C>T on the plus strand (G>A on the coding strand, the complement: CD8A is on the minus strand). VCF-style: chr2-86788542-C-T. GRCh37 (hg19) VCF-style: chr2-87015665-C-T.
Other names: c.644G>A, p.Cys215Tyr (NM_001145873.1, NM_001382698.1); c.533G>A, p.Cys178Tyr (NM_171827.4); short protein forms C178Y, C215Y.
Identifiers: ClinVar variation 2003855 (VCV002003855.4), dbSNP rs775080990, ClinGen allele CA1751107.

ClinVar aggregate classification (germline): Uncertain significance (1 of 4 stars; one submission).

Conditions:
Susceptibility to respiratory infections associated with CD8alpha chain mutation (IMD116). Also called: Cd8 deficiency, familial; IMMUNODEFICIENCY 116. Identifiers: Orphanet 169085, MedGen C1837065, MONDO:0012161, OMIM 608957.

Allele frequency attached by ClinVar (database versions not stated): gnomAD exomes below 0.00001; ExAC 0.00001.
gnomAD v4.1: 1 of 1,613,362 alleles (0.000062%); highest among the groups gnomAD compares: South Asian, 0.0011%; no homozygotes.

Submission:

Labcorp Genetics (formerly Invitae), Labcorp
Classification: Uncertain significance for Susceptibility to respiratory infections associated with CD8alpha chain mutation. Last evaluated: 2022-09-27. Review status: criteria provided, single submitter. Criteria: Invitae Variant Classification Sherloc (09022015). Collection method: clinical testing. Allele origin: germline.
Comment: This sequence change replaces cysteine, which is neutral and slightly polar, with tyrosine, which is neutral and polar, at codon 215 of the CD8A protein (p.Cys215Tyr). This variant is present in population databases (rs775080990, gnomAD 0.003%). This variant has not been reported in the literature in individuals affected with CD8A-related conditions. Algorithms developed to predict the effect of missense changes on protein structure and function (SIFT, PolyPhen-2, Align-GVGD) all suggest that this variant is likely to be disruptive. In summary, the available evidence is currently insufficient to determine the role of this variant in disease. Therefore, it has been classified as a Variant of Uncertain Significance.